The following is an entry in ClinVar:

ClinVar aggregate classification (germline): Uncertain significance (1 of 4 stars; one submission).

Conditions:
Primary ciliary dyskinesia. Also called: Ciliary dyskinesia. Identifiers: Orphanet 244, MedGen C0008780, MONDO:0016575, HP:0012265.

Allele frequency attached by ClinVar (database versions not stated): gnomAD exomes 0.00001; ExAC 0.00003; gnomAD 0.00003; TOPMed 0.00003.
gnomAD v4.1: 16 of 1,613,804 alleles (0.00099%); highest among the groups gnomAD compares: East Asian, 0.02%; no homozygotes.

Submission:

Labcorp Genetics (formerly Invitae), Labcorp
Classification: Uncertain significance for Primary ciliary dyskinesia. Last evaluated: 2022-03-25. Review status: criteria provided, single submitter. Criteria: Invitae Variant Classification Sherloc (09022015). Collection method: clinical testing. Allele origin: germline.
Comment: Algorithms developed to predict the effect of missense changes on protein structure and function are either unavailable or do not agree on the potential impact of this missense change (SIFT: "Deleterious"; PolyPhen-2: "Not Available"; Align-GVGD: "Class C0"). This variant has not been reported in the literature in individuals affected with DNAH8-related conditions. This variant is present in population databases (rs746052496, gnomAD 0.03%). This sequence change replaces methionine, which is neutral and non-polar, with valine, which is neutral and non-polar, at codon 728 of the DNAH8 protein (p.Met728Val). In summary, the available evidence is currently insufficient to determine the role of this variant in disease. Therefore, it has been classified as a Variant of Uncertain Significance. Algorithms developed to predict the effect of sequence changes on RNA splicing suggest that this variant may create or strengthen a splice site.

NM_001206927.2(DNAH8):c.2182A>G (p.Met728Val)

Gene: DNAH8 (dynein axonemal heavy chain 8; plus strand). Cytogenetic location: 6p21.2.
Variant type: single nucleotide variant.
Coding change: c.2182A>G on transcript NM_001206927.2 (MANE Select); coding-DNA position 2182, A replaced by G.
Protein change: p.Met728Val; replaces methionine 728 with valine.
Molecular consequence: missense variant.
Genome position (GRCh38, 1-based): chr6:38,781,296, A>G. VCF-style: chr6-38781296-A-G. GRCh37 (hg19) VCF-style: chr6-38749072-A-G.
Other names: c.1531A>G, p.Met511Val (NM_001371.4); short protein forms M728V, M511V.
Identifiers: ClinVar variation 2139445 (VCV002139445.4), dbSNP rs746052496, ClinGen allele CA3788445.